The following is an entry in ClinVar:

ClinVar aggregate classification (germline): Uncertain significance (1 of 4 stars; one submission).

Conditions:
Inborn genetic diseases. Identifiers: MedGen C0950123, MeSH D030342.

gnomAD v4.1: 1 of 1,612,594 alleles (0.000062%); highest among the groups gnomAD compares: Non-Finnish European, 0.000085%; no homozygotes.

Submission:

Ambry Genetics
Classification: Uncertain significance for Inborn genetic diseases. Last evaluated: 2025-01-13. Review status: criteria provided, single submitter. Criteria: Ambry Variant Classification Scheme 2023. Collection method: clinical testing. Allele origin: germline.
Comment: The p.F161L variant (also known as c.481T>C), located in coding exon 3 of the ERCC6L2 gene, results from a T to C substitution at nucleotide position 481. The phenylalanine at codon 161 is replaced by leucine, an amino acid with highly similar properties. This amino acid position is conserved. In addition, the in silico prediction for this alteration is inconclusive. Based on the available evidence, the clinical significance of this variant remains unclear.

NM_020207.7(ERCC6L2):c.481T>C (p.Phe161Leu)

Gene: ERCC6L2 (ERCC excision repair 6 like 2; plus strand). Cytogenetic location: 9q22.32.
Variant type: single nucleotide variant.
Coding change: c.481T>C on transcript NM_020207.7 (MANE Select); coding-DNA position 481, T replaced by C.
Protein change: p.Phe161Leu; replaces phenylalanine 161 with leucine.
Molecular consequence: missense variant. On other transcripts: non-coding transcript variant (1).
Genome position (GRCh38, 1-based): chr9:95,897,858, T>C. VCF-style: chr9-95897858-T-C. GRCh37 (hg19) VCF-style: chr9-98660140-T-C.
Other names: c.481T>C, p.Phe161Leu (NM_001010895.4, NM_001375291.1, NM_001375292.1 and 2 more transcripts); short protein forms F161L.
Identifiers: ClinVar variation 3845869 (VCV003845869.1).
Genomic context (GRCh38, chr9:95,897,858, plus strand): 5'-GTACGTCATGATACATTATACACAGTGATTGAAAAAGTCTTTTTTCCCCAGGTTATTTCA[T>C]TTCTGGCTGCAGTTTTGCATAAAAAGGGAACTCGTGAGGATATTGAAAATAACATGCCAG-3'
Protein context (NP_064592.3, residues 151-171): GLGKTVQVIS[Phe161Leu]LAAVLHKKGT